The following is an entry in ClinVar:

ClinVar aggregate classification (germline): Benign/Likely benign. Review status: criteria provided, multiple submitters, no conflicts (2 of 4 stars). 4 submissions from 4 submitters: Benign (2); Likely benign (2). Last evaluated 2026-02-02.

Conditions:
Osteogenesis imperfecta type 13. Also called: OI, TYPE XIII; Osteogenesis imperfecta, type xiii. Identifiers: Orphanet 666, MedGen C3553887, MONDO:0013924, OMIM 614856.

Allele frequency attached by ClinVar (database versions not stated): gnomAD 0.00028 and 0.00041; TOPMed 0.00031; ESP Exome Variant Server 0.00046; gnomAD exomes 0.00047 and 0.00077; 1000 Genomes Project 0.00080; ExAC 0.00080; 1000 Genomes Project 30x 0.00094.
gnomAD v4.1: 751 of 1,583,708 alleles (0.047%); highest among the groups gnomAD compares: South Asian, 0.46%; 7 homozygotes.

Submissions (4):

Labcorp Genetics (formerly Invitae), Labcorp
Classification: Benign. Last evaluated: 2026-02-02. Review status: criteria provided, single submitter. Criteria: Invitae Variant Classification Sherloc (09022015). Collection method: clinical testing. Allele origin: germline.

Blueprint Genetics
Classification: Likely benign. Last evaluated: 2024-11-11. Review status: criteria provided, single submitter. Criteria: ACMG Guidelines, 2015. Collection method: clinical testing. Allele origin: germline.

Women's Health and Genetics/Laboratory Corporation of America, LabCorp
Classification: Benign. Last evaluated: 2023-11-08. Review status: criteria provided, single submitter. Criteria: LabCorp Variant Classification Summary - May 2015. Collection method: clinical testing. Allele origin: germline.
Comment: Variant summary: BMP1 c.433+12A>G alters a non-conserved nucleotide located at a position not widely known to affect splicing. Consensus agreement among computation tools predict no significant impact on normal splicing. However, these predictions have yet to be confirmed by functional studies. The variant allele was found at a frequency of 0.00047 in 1583708 control chromosomes, predominantly at a frequency of 0.0046 within the South Asian subpopulation in the gnomAD database, including 7 homozygotes. The observed variant frequency within South Asian control individuals in the gnomAD database is approximately 4.11 fold of the estimated maximal expected allele frequency for a pathogenic variant in BMP1 causing Osteogenesis Imperfecta phenotype (0.0011), strongly suggesting that the variant is a benign polymorphism found primarily in populations of South Asian origin. To our knowledge, no occurrence of c.433+12A>G in individuals affected with Osteogenesis Imperfecta and no experimental evidence demonstrating its impact on protein function have been reported. Two submitters have cited clinical-significance assessments for this variant to ClinVar after 2014. All submitters classified the variant as benign/likely benign. Based on the evidence outlined above, the variant was classified as benign.

Illumina Laboratory Services, Illumina
Classification: Likely benign for Osteogenesis imperfecta type 13. Last evaluated: 2018-01-12. Review status: criteria provided, single submitter. Criteria: ICSL Variant Classification Criteria 13 December 2019. Collection method: clinical testing. Allele origin: germline.
Comment: This variant was observed in the ICSL laboratory as part of a predisposition screen in an ostensibly healthy population. It had not been previously curated by ICSL or reported in the Human Gene Mutation Database (HGMD: prior to June 1st, 2018), and was therefore a candidate for classification through an automated scoring system. Utilizing variant allele frequency, disease prevalence and penetrance estimates, and inheritance mode, an automated score was calculated to assess if this variant is too frequent to cause the disease. Based on the score and internal cut-off values, a variant classified as likely benign is not then subjected to further curation. The score for this variant resulted in a classification of likely benign for this disease.

NM_006129.5(BMP1):c.433+12A>G

Gene: BMP1 (bone morphogenetic protein 1; plus strand). Cytogenetic location: 8p21.3.
Variant type: single nucleotide variant.
Coding change: c.433+12A>G on transcript NM_006129.5 (MANE Select); 12 bases into the intron after coding-DNA position 433, A replaced by G.
Molecular consequence: intron variant.
Genome position (GRCh38, 1-based): chr8:22,176,325, A>G. VCF-style: chr8-22176325-A-G. GRCh37 (hg19) VCF-style: chr8-22033838-A-G.
Other names: c.433+12A>G (NM_001199.4).
Identifiers: ClinVar variation 362579 (VCV000362579.14), dbSNP rs201334369, ClinGen allele CA4664252.